The following is an entry in ClinVar:

ClinVar aggregate classification (germline): Uncertain significance. Review status: criteria provided, multiple submitters, no conflicts (2 of 4 stars). 2 submissions from 2 submitters: Uncertain significance (2). Last evaluated 2025-04-17.

Conditions:
Brugada syndrome. Also called: Sudden unexpected nocturnal death syndrome; Sudden unexplained nocturnal death syndrome; Sudden Unexplained Death Syndrome; Sudden Unexplained Nocturnal Death Syndrome (SUNDS). Identifiers: Orphanet 130, MedGen C1142166, MONDO:0015263.
Cardiovascular phenotype. Identifiers: MedGen CN230736.

Allele frequency attached by ClinVar (database versions not stated): ExAC 0.00001; gnomAD exomes 0.00001; TOPMed 0.00001; ESP Exome Variant Server 0.00008.
gnomAD v4.1: 24 of 1,614,208 alleles (0.0015%); highest among the groups gnomAD compares: Non-Finnish European, 0.0019%; no homozygotes.

Submissions (2):

Labcorp Genetics (formerly Invitae), Labcorp
Classification: Uncertain significance for Brugada syndrome. Last evaluated: 2025-04-17. Review status: criteria provided, single submitter. Criteria: Invitae Variant Classification Sherloc (09022015). Collection method: clinical testing. Allele origin: germline.
Comment: This sequence change replaces proline, which is neutral and non-polar, with serine, which is neutral and polar, at codon 945 of the SCN10A protein (p.Pro945Ser). This variant is present in population databases (rs372907454, gnomAD 0.0009%). This variant has not been reported in the literature in individuals affected with SCN10A-related conditions. ClinVar contains an entry for this variant (Variation ID: 407751). Invitae Evidence Modeling of protein sequence and biophysical properties (such as structural, functional, and spatial information, amino acid conservation, physicochemical variation, residue mobility, and thermodynamic stability) indicates that this missense variant is not expected to disrupt SCN10A protein function with a negative predictive value of 95%. In summary, the available evidence is currently insufficient to determine the role of this variant in disease. Therefore, it has been classified as a Variant of Uncertain Significance.

Ambry Genetics
Classification: Uncertain significance for Cardiovascular phenotype. Last evaluated: 2022-10-11. Review status: criteria provided, single submitter. Criteria: Ambry Variant Classification Scheme 2023. Collection method: clinical testing. Allele origin: germline.
Comment: The p.P945S variant (also known as c.2833C>T), located in coding exon 16 of the SCN10A gene, results from a C to T substitution at nucleotide position 2833. The proline at codon 945 is replaced by serine, an amino acid with similar properties. This amino acid position is conserved. In addition, this alteration is predicted to be tolerated by in silico analysis. Since supporting evidence is limited at this time, the clinical significance of this alteration remains unclear.

NM_006514.4(SCN10A):c.2833C>T (p.Pro945Ser)

Genes: SCN10A (sodium voltage-gated channel alpha subunit 10; minus strand), LOC110121288 (VISTA enhancer hs2268; plus strand). Cytogenetic location: 3p22.2.
Variant type: single nucleotide variant.
Coding change: c.2833C>T on transcript NM_006514.4 (MANE Select); coding-DNA position 2833, C replaced by T.
Protein change: p.Pro945Ser; replaces proline 945 with serine.
Molecular consequence: missense variant.
Genome position (GRCh38, 1-based): chr3:38,726,860, G>A on the plus strand (C>T on the coding strand, the complement: SCN10A is on the minus strand). VCF-style: chr3-38726860-G-A. GRCh37 (hg19) VCF-style: chr3-38768351-G-A.
Other names: c.2833C>T, p.Pro945Ser (NM_001293306.2); c.2539C>T, p.Pro847Ser (NM_001293307.2); short protein forms P945S, P847S.
Identifiers: ClinVar variation 407751 (VCV000407751.5), dbSNP rs372907454, ClinGen allele CA2320421.